The following is an entry in ClinVar:

ClinVar aggregate classification (germline): Conflicting classifications of pathogenicity. Review status: criteria provided, conflicting classifications (1 of 4 stars). 2 submissions from 2 submitters: Uncertain significance (1); Likely benign (1). Last evaluated 2021-02-01.

Submissions (2):

GeneDx
Classification: Uncertain significance. Last evaluated: 2021-02-01. Review status: criteria provided, single submitter. Criteria: GeneDx Variant Classification Process June 2021. Collection method: clinical testing. Allele origin: germline. Affected: yes.
Comment: Frameshift variant predicted to result in protein truncation or nonsense mediated decay in a gene for which loss-of-function is not a known mechanism of disease; Has not been previously published as pathogenic or benign to our knowledge

Labcorp Genetics (formerly Invitae), Labcorp
Classification: Likely benign. Last evaluated: 2019-12-31. Review status: criteria provided, single submitter. Criteria: Invitae Variant Classification Sherloc (09022015). Collection method: clinical testing. Allele origin: germline.

NM_000412.5(HRG):c.99del (p.Ala34fs)

Gene: HRG (histidine rich glycoprotein; plus strand). Cytogenetic location: 3q27.3.
Variant type: Deletion.
Coding change: c.99del on transcript NM_000412.5 (MANE Select); coding-DNA position 99, one base deleted (A; older notation c.99delA).
Protein change: p.Ala34fs; shifts the reading frame from alanine 34.
Molecular consequence: frameshift variant.
Genome position (GRCh38, 1-based): chr3:186,666,130, A deleted; the last of 3 consecutive A bases (chr3:186,666,128-186,666,130); deleting any one gives the same sequence. VCF-style (leftmost placement, unchanged base first): chr3-186666127-GA-G. GRCh37 (hg19) VCF-style: chr3-186383916-GA-G.
Other names: c.99delA (NM_000412.4); c.99del (NM_000412.3); short protein forms A34fs.
Identifiers: ClinVar variation 453207 (VCV000453207.9), dbSNP rs563237107, ClinGen allele CA2745537.
Genomic context (GRCh38, chr3:186,666,127, plus strand): 5'-ATTGCAGTATTCGTGTGCCGTGAGTCCCACTGACTGCAGTGCTGTTGAGCCGGAGGCTGA[GA>G]AAGCTCTAGACCTGATCAATAAAAGGCGACGGGATGGCTACCTTTTCCAATTGCTGCGGA-3'